The following is an entry in ClinVar:

NM_014112.5(TRPS1):c.2866C>T (p.Gln956Ter)

Gene: TRPS1 (transcriptional repressor GATA binding 1; minus strand). Cytogenetic location: 8q23.3.
Variant type: single nucleotide variant.
Coding change: c.2866C>T on transcript NM_014112.5 (MANE Select); coding-DNA position 2866, C replaced by T.
Protein change: p.Gln956Ter; replaces glutamine 956 with a stop codon.
Molecular consequence: nonsense.
Genome position (GRCh38, 1-based): chr8:115,415,042, G>A on the plus strand (C>T on the coding strand, the complement: TRPS1 is on the minus strand). VCF-style: chr8-115415042-G-A. GRCh37 (hg19) VCF-style: chr8-116427270-G-A.
Other names: c.2839C>T, p.Gln947Ter (NM_001282902.3); c.2845C>T, p.Gln949Ter (NM_001282903.3); c.2827C>T, p.Gln943Ter (NM_001330599.2); short protein forms Q943*, Q947*, Q956*, Q949*.
Identifiers: ClinVar variation 2024437 (VCV002024437.4), dbSNP rs2536583263, ClinGen allele CA372064049.

ClinVar aggregate classification (germline): Pathogenic (1 of 4 stars; one submission).

Conditions:
Trichorhinophalangeal dysplasia type I (TRPS1). Also called: TRICHORHINOPHALANGEAL SYNDROME, TYPE I; TRPS I. Identifiers: Orphanet 77258, MedGen C0432233, MONDO:0008596, OMIM 190350.
Trichorhinophalangeal syndrome, type III (TRPS3). Also called: SUGIO-KAJII SYNDROME. Identifiers: Orphanet 77258, MedGen C1860823, OMIM 190351, MONDO:0008597.

Submission:

Labcorp Genetics (formerly Invitae), Labcorp
Classification: Pathogenic for Trichorhinophalangeal syndrome, type III; Trichorhinophalangeal dysplasia type I. Last evaluated: 2022-08-17. Review status: criteria provided, single submitter. Criteria: Invitae Variant Classification Sherloc (09022015). Collection method: clinical testing. Allele origin: germline.
Comment: This variant disrupts a region of the TRPS1 protein in which other variant(s) (p.Thr1215Glnfs*27) have been determined to be pathogenic (PMID: 26113321). This suggests that this is a clinically significant region of the protein, and that variants that disrupt it are likely to be disease-causing. Algorithms developed to predict the effect of sequence changes on RNA splicing suggest that this variant may create or strengthen a splice site. This variant has not been reported in the literature in individuals affected with TRPS1-related conditions. This variant is not present in population databases (gnomAD no frequency). This sequence change creates a premature translational stop signal (p.Gln956*) in the TRPS1 gene. While this is not anticipated to result in nonsense mediated decay, it is expected to disrupt the last 339 amino acid(s) of the TRPS1 protein. For these reasons, this variant has been classified as Pathogenic.

Literature cited by the submitters: PubMed 26113321.